The following is an entry in ClinVar:

ClinVar aggregate classification (germline): Likely benign. Review status: criteria provided, multiple submitters, no conflicts (2 of 4 stars). 2 submissions from 2 submitters: Likely benign (2). Last evaluated 2026-08-01.

Conditions:
Dilated cardiomyopathy 1G (CMD1G). Identifiers: Orphanet 154, MedGen C1858763, MONDO:0011400, OMIM 604145.
Autosomal recessive limb-girdle muscular dystrophy type 2J (LGMDR10). Also called: MUSCULAR DYSTROPHY, LIMB-GIRDLE, AUTOSOMAL RECESSIVE 10; Limb-girdle muscular dystrophy, type 2J. Identifiers: Orphanet 140922, MedGen C1837342, MONDO:0012127, OMIM 608807.

Submissions (2):

CeGaT Center for Human Genetics Tuebingen
Classification: Likely benign. Last evaluated: 2026-08-01. Review status: criteria provided, single submitter. Criteria: CeGaT Center For Human Genetics Tuebingen Variant Classification Criteria Version 2. Collection method: clinical testing. Allele origin: germline. Affected: yes. Observed: 1 variant allele.
Comment: TTN: PM2:Supporting, BP4, BP7

Labcorp Genetics (formerly Invitae), Labcorp
Classification: Likely benign for Dilated cardiomyopathy 1G; Autosomal recessive limb-girdle muscular dystrophy type 2J. Last evaluated: 2022-12-13. Review status: criteria provided, single submitter. Criteria: Invitae Variant Classification Sherloc (09022015). Collection method: clinical testing. Allele origin: germline.

NM_001267550.2(TTN):c.90297G>A (p.Leu30099=)

Genes: TTN (titin; minus strand), TTN-AS1 (TTN antisense RNA 1; plus strand). Cytogenetic location: 2q31.2.
Variant type: single nucleotide variant.
Coding change: c.90297G>A on transcript NM_001267550.2 (MANE Select); coding-DNA position 90297, G replaced by A.
Protein change: p.Leu30099=; no amino-acid change (leucine 30099 retained).
Molecular consequence: synonymous variant.
Genome position (GRCh38, 1-based): chr2:178,552,603, C>T on the plus strand (G>A on the coding strand, the complement: TTN is on the minus strand). VCF-style: chr2-178552603-C-T. GRCh37 (hg19) VCF-style: chr2-179417330-C-T.
Other names: c.85374G>A, p.Leu28458= (NM_001256850.1); c.63102G>A, p.Leu21034= (NM_003319.4); c.82593G>A, p.Leu27531= (NM_133378.4); c.63477G>A, p.Leu21159= (NM_133432.3); c.63678G>A, p.Leu21226= (NM_133437.4).
Identifiers: ClinVar variation 2935947 (VCV002935947.4), dbSNP rs2469296723, ClinGen allele CA430245513.
Genomic context (GRCh38, chr2:178,552,603, plus strand): 5'-TGGCCCAATAGTGACAGGATCACTCAGTCCTTTCTCATTTTTGGCAAACACTCTGAACTC[C>T]AGGACTGACTGCTCCTTAAGTTGGCTAACCTCAATTTCACATGTCTTACTTATGCCAGCG-3'
Protein context (NP_001254479.2, residues 30089-30109): EVSQLKEQSV[Leu30099=]EFRVFAKNEK